The following is an entry in ClinVar:

ClinVar aggregate classification (germline): Uncertain significance (1 of 4 stars; one submission).

Conditions:
Congenital myasthenic syndrome 8. Also called: Myasthenic syndrome, congenital, 8, with pre- and postsynaptic defects; MYASTHENIC SYNDROME, CONGENITAL, DUE TO AGRIN DEFICIENCY. Identifiers: Orphanet 590, MedGen C3808739, MONDO:0014052, OMIM 615120.

Allele frequency attached by ClinVar (database versions not stated): gnomAD exomes below 0.00001.

Submission:

Labcorp Genetics (formerly Invitae), Labcorp
Classification: Uncertain significance for Congenital myasthenic syndrome 8. Last evaluated: 2020-12-29. Review status: criteria provided, single submitter. Criteria: Invitae Variant Classification Sherloc (09022015). Collection method: clinical testing. Allele origin: germline.
Comment: In summary, the available evidence is currently insufficient to determine the role of this variant in disease. Therefore, it has been classified as a Variant of Uncertain Significance. Algorithms developed to predict the effect of missense changes on protein structure and function are either unavailable or do not agree on the potential impact of this missense change (SIFT: "Deleterious"; PolyPhen-2: "Benign"; Align-GVGD: "Class C0"). This variant has not been reported in the literature in individuals with AGRN-related conditions. This variant is not present in population databases (ExAC no frequency). This sequence change replaces cysteine with serine at codon 578 of the AGRN protein (p.Cys578Ser). The cysteine residue is highly conserved and there is a moderate physicochemical difference between cysteine and serine.

NM_198576.4(AGRN):c.1732T>A (p.Cys578Ser)

Gene: AGRN (agrin; plus strand). Cytogenetic location: 1p36.33.
Variant type: single nucleotide variant.
Coding change: c.1732T>A on transcript NM_198576.4 (MANE Select); coding-DNA position 1732, T replaced by A.
Protein change: p.Cys578Ser; replaces cysteine 578 with serine.
Molecular consequence: missense variant.
Genome position (GRCh38, 1-based): chr1:1,043,666, T>A. VCF-style: chr1-1043666-T-A. GRCh37 (hg19) VCF-style: chr1-979046-T-A.
Other names: c.1732T>A, p.Cys578Ser (NM_001305275.2); c.1417T>A, p.Cys473Ser (NM_001364727.2); short protein forms C473S, C578S.
Identifiers: ClinVar variation 1013971 (VCV001013971.8), dbSNP rs1324176773, ClinGen allele CA337833716.